The following is an entry in ClinVar:

NM_002485.5(NBN):c.851_854del (p.Asp284fs)

Gene: NBN (nibrin; minus strand). Cytogenetic location: 8q21.3.
Variant type: Deletion.
Coding change: c.851_854del on transcript NM_002485.5 (MANE Select); coding-DNA positions 851 to 854, 4 bases deleted (ACTG; older notation c.851_854delACTG).
Protein change: p.Asp284fs; shifts the reading frame from aspartic acid 284.
Molecular consequence: frameshift variant.
Genome position (GRCh38, 1-based): chr8:89,970,406-89,970,409, CAGT deleted on the plus strand (ACTG on the coding strand, the reverse complement: NBN is on the minus strand); deleting any 4 consecutive bases within chr8:89,970,406-89,970,412 gives the same sequence; the c. name uses the placement nearest the transcript's 3' end. VCF-style (leftmost placement, unchanged base first): chr8-89970405-ACAGT-A. GRCh37 (hg19) VCF-style: chr8-90982633-ACAGT-A.
Other names: c.605_608del, p.Asp202fs (NM_001024688.3); short protein forms D202fs, D284fs.
Identifiers: ClinVar variation 1421344 (VCV001421344.6), dbSNP rs2129827880, ClinGen allele CA2573143423.
Genomic context (GRCh38, chr8:89,970,405, plus strand): 5'-ATAAAGAATAATTCTATACCTTTGGAGCATATCCATTATTGACTGAATCCATTTCTTCTG[ACAGT>A]CAGGAATTAAGGTCTGTGAGTTTGTTATTCCTGTATCAACAACACACGTTCCCGGAGCCA-3'

ClinVar aggregate classification (germline): Pathogenic (1 of 4 stars; one submission).

Conditions:
Microcephaly, normal intelligence and immunodeficiency (NBS). Also called: Nijmegen breakage syndrome; Microcephaly with normal intelligence immunodeficiency and lymphoreticular malignancies; Nonsyndromal microcephaly autosomal recessive with normal intelligence; Seemanova syndrome 2; IMMUNODEFICIENCY, MICROCEPHALY, AND CHROMOSOMAL INSTABILITY; BERLIN BREAKAGE SYNDROME. Identifiers: Orphanet 647, MedGen C0398791, MONDO:0009623, OMIM 251260.

Submission:

Labcorp Genetics (formerly Invitae), Labcorp
Classification: Pathogenic for Microcephaly, normal intelligence and immunodeficiency. Last evaluated: 2021-07-29. Review status: criteria provided, single submitter. Criteria: Invitae Variant Classification Sherloc (09022015). Collection method: clinical testing. Allele origin: germline.
Comment: For these reasons, this variant has been classified as Pathogenic. This variant has not been reported in the literature in individuals affected with NBN-related conditions. This variant is not present in population databases (ExAC no frequency). This sequence change creates a premature translational stop signal (p.Asp284Valfs*9) in the NBN gene. It is expected to result in an absent or disrupted protein product. Loss-of-function variants in NBN are known to be pathogenic (PMID: 9590180, 16415040).

Literature cited by the submitters: PubMed 9590180; PubMed 16415040.